The following is an entry in ClinVar:

ClinVar aggregate classification (germline): Uncertain significance. Review status: criteria provided, multiple submitters, no conflicts (2 of 4 stars). 2 submissions from 2 submitters: Uncertain significance (2). Last evaluated 2025-09-25.

Conditions:
Inborn genetic diseases. Identifiers: MedGen C0950123, MeSH D030342.

gnomAD v4.1: 4 of 1,611,150 alleles (0.00025%); highest among the groups gnomAD compares: Admixed American, 0.005%; no homozygotes.

Submissions (2):

Labcorp Genetics (formerly Invitae), Labcorp
Classification: Uncertain significance. Last evaluated: 2025-09-25. Review status: criteria provided, single submitter. Criteria: Invitae Variant Classification Sherloc (09022015). Collection method: clinical testing. Allele origin: germline.
Comment: This sequence change replaces glycine, which is neutral and non-polar, with arginine, which is basic and polar, at codon 368 of the ANXA11 protein (p.Gly368Arg). This variant is not present in population databases (gnomAD no frequency). This variant has not been reported in the literature in individuals affected with ANXA11-related conditions. ClinVar contains an entry for this variant (Variation ID: 3401882). An algorithm developed to predict the effect of missense changes on protein structure and function (PolyPhen-2) suggests that this variant is likely to be disruptive. In summary, the available evidence is currently insufficient to determine the role of this variant in disease. Therefore, it has been classified as a Variant of Uncertain Significance.

Ambry Genetics
Classification: Uncertain significance for Inborn genetic diseases. Last evaluated: 2024-12-07. Review status: criteria provided, single submitter. Criteria: Ambry Variant Classification Scheme 2023. Collection method: clinical testing. Allele origin: germline.

NM_145868.2(ANXA11):c.1102G>C (p.Gly368Arg)

Gene: ANXA11 (annexin A11; minus strand). Cytogenetic location: 10q22.3.
Variant type: single nucleotide variant.
Coding change: c.1102G>C on transcript NM_145868.2 (MANE Select); coding-DNA position 1102, G replaced by C.
Protein change: p.Gly368Arg; replaces glycine 368 with arginine.
Molecular consequence: missense variant.
Genome position (GRCh38, 1-based): chr10:80,162,013, C>G on the plus strand (G>C on the coding strand, the complement: ANXA11 is on the minus strand). VCF-style: chr10-80162013-C-G. GRCh37 (hg19) VCF-style: chr10-81921769-C-G.
Other names: c.1102G>C, p.Gly368Arg (NM_001157.3, NM_001278407.2, NM_001278408.2 and 1 more transcripts); c.1003G>C, p.Gly335Arg (NM_001278409.2); short protein forms G335R, G368R.
Identifiers: ClinVar variation 3401882 (VCV003401882.2).
Genomic context (GRCh38, chr10:80,162,013, plus strand): 5'-GGCTCCGGGAGCACAGAACCGCATTGAACTTGGACTCGTCTGTTCCCAGGCGGTTCTCCC[C>G]GGCCGCATACAGCTCCTGGAGAGAGAGGAAGACGCACATGTGGCACAGGCCACACCCAGA-3'
Protein context (NP_665875.1, residues 358-378): QRDAQELYAA[Gly368Arg]ENRLGTDESK